The following is an entry in ClinVar:

NM_001277115.2(DNAH11):c.10333-5T>G

Gene: DNAH11 (dynein axonemal heavy chain 11; plus strand). Cytogenetic location: 7p15.3.
Variant type: single nucleotide variant.
Coding change: c.10333-5T>G on transcript NM_001277115.2 (MANE Select); 5 bases into the intron before coding-DNA position 10333, T replaced by G.
Molecular consequence: intron variant.
Genome position (GRCh38, 1-based): chr7:21,816,462, T>G. VCF-style: chr7-21816462-T-G. GRCh37 (hg19) VCF-style: chr7-21856080-T-G.
Identifiers: ClinVar variation 1771726 (VCV001771726.7), dbSNP rs1416530706, ClinGen allele CA572919024.

ClinVar aggregate classification (germline): Conflicting classifications of pathogenicity. Review status: criteria provided, conflicting classifications (1 of 4 stars). 2 submissions from 2 submitters: Uncertain significance (1); Likely benign (1). Last evaluated 2025-02-06.

Conditions:
Primary ciliary dyskinesia. Also called: Ciliary dyskinesia. Identifiers: Orphanet 244, MedGen C0008780, MONDO:0016575, HP:0012265.

Allele frequency attached by ClinVar (database versions not stated): gnomAD exomes 0.00001; TOPMed 0.00001; gnomAD 0.00002.

Submissions (2):

Labcorp Genetics (formerly Invitae), Labcorp
Classification: Likely benign for Primary ciliary dyskinesia. Last evaluated: 2025-02-06. Review status: criteria provided, single submitter. Criteria: Invitae Variant Classification Sherloc (09022015). Collection method: clinical testing. Allele origin: germline.

Ambry Genetics
Classification: Uncertain significance for Primary ciliary dyskinesia. Last evaluated: 2018-04-20. Review status: criteria provided, single submitter. Criteria: Ambry Variant Classification Scheme 2023. Collection method: clinical testing. Allele origin: germline.
Comment: The c.10333-5T>G intronic variant results from a T to G substitution 5 nucleotides upstream from coding exon 64 in the DNAH11 gene. This nucleotide position is poorly conserved in available vertebrate species. Using two different splice site prediction tools, this alteration is predicted by BDGP to abolish the native splice acceptor site, but is predicted to weaken (but not abolish) the efficiency of the native splice acceptor site by ESEfinder; however, direct evidence is unavailable. Since supporting evidence is limited at this time, the clinical significance of this alteration remains unclear.